The following is an entry in ClinVar:

ClinVar aggregate classification (germline): Uncertain significance (1 of 4 stars; one submission).

Submission:

Labcorp Genetics (formerly Invitae), Labcorp
Classification: Uncertain significance. Last evaluated: 2022-03-26. Review status: criteria provided, single submitter. Criteria: Invitae Variant Classification Sherloc (09022015). Collection method: clinical testing. Allele origin: germline.
Comment: In summary, the available evidence is currently insufficient to determine the role of this variant in disease. Therefore, it has been classified as a Variant of Uncertain Significance. This sequence change replaces tryptophan, which is neutral and slightly polar, with arginine, which is basic and polar, at codon 350 of the PRPF4 protein (p.Trp350Arg). This variant is not present in population databases (gnomAD no frequency). This variant has not been reported in the literature in individuals affected with PRPF4-related conditions. Algorithms developed to predict the effect of missense changes on protein structure and function are either unavailable or do not agree on the potential impact of this missense change (SIFT: "Deleterious"; PolyPhen-2: "Probably Damaging"; Align-GVGD: "Class C15").

NM_001244926.2(PRPF4):c.1045T>C (p.Trp349Arg)

Gene: PRPF4 (pre-mRNA splicing tri-snRNP complex factor PRPF4; plus strand). Cytogenetic location: 9q32.
Variant type: single nucleotide variant.
Coding change: c.1045T>C on transcript NM_001244926.2 (MANE Select); coding-DNA position 1045, T replaced by C.
Protein change: p.Trp349Arg; replaces tryptophan 349 with arginine.
Molecular consequence: missense variant. On other transcripts: non-coding transcript variant (2).
Genome position (GRCh38, 1-based): chr9:113,290,488, T>C. VCF-style: chr9-113290488-T-C. GRCh37 (hg19) VCF-style: chr9-116052768-T-C.
Other names: c.319T>C, p.Trp107Arg (NM_001322266.2, NM_001322267.2); c.1048T>C, p.Trp350Arg (NM_004697.5); short protein forms W107R, W349R, W350R.
Identifiers: ClinVar variation 2116982 (VCV002116982.4), dbSNP rs1290352759, ClinGen allele CA374555029.